The following is an entry in ClinVar:

NM_172351.3(CD46):c.575A>C (p.Asp192Ala)

Gene: CD46 (CD46 molecule; plus strand). Cytogenetic location: 1q32.2.
Variant type: single nucleotide variant.
Coding change: c.575A>C on transcript NM_172351.3 (MANE Select); coding-DNA position 575, A replaced by C.
Protein change: p.Asp192Ala; replaces aspartic acid 192 with alanine.
Molecular consequence: missense variant.
Genome position (GRCh38, 1-based): chr1:207,761,348, A>C. VCF-style: chr1-207761348-A-C. GRCh37 (hg19) VCF-style: chr1-207934693-A-C.
Other names: c.575A>C, p.Asp192Ala (NM_002389.4, NM_153826.4, NM_172350.3 and 8 more transcripts); short protein forms D192A.
Identifiers: ClinVar variation 4291154 (VCV004291154.1).

ClinVar aggregate classification (germline): Uncertain significance (1 of 4 stars; one submission).

Conditions:
Atypical hemolytic-uremic syndrome. Identifiers: Orphanet 2134, MedGen C2931788, MONDO:0016244.

Submission:

Genomenon, Inc
Classification: Uncertain significance for Atypical hemolytic-uremic syndrome. Last evaluated: 2025-10-02. Review status: criteria provided, single submitter. Criteria: Genomenon Sequence Variant Interpretation Standards. Collection method: curation. Allele origin: germline. Affected: no.
Comment: CD46 p.Asp192Ala (c.575A>C) is a missense variant that changes the amino acid at residue 192 from Aspartic acid to Alanine. This variant has been reported in the published literature (PMID:10960475). It is absent or not present at a significant frequency in gnomAD. In silico models agree that this variant is not damaging. In conclusion, we classify CD46 p.Asp192Ala (c.575A>C) as a variant of uncertain significance.

Literature cited by the submitters: PubMed 10960475.